The following is an entry in ClinVar:

NM_139276.3(STAT3):c.195C>A (p.Asp65Glu)

Gene: STAT3 (signal transducer and activator of transcription 3; minus strand). Cytogenetic location: 17q21.2.
Variant type: single nucleotide variant.
Coding change: c.195C>A on transcript NM_139276.3 (MANE Select); coding-DNA position 195, C replaced by A.
Protein change: p.Asp65Glu; replaces aspartic acid 65 with glutamic acid.
Molecular consequence: missense variant.
Genome position (GRCh38, 1-based): chr17:42,346,647, G>T on the plus strand (C>A on the coding strand, the complement: STAT3 is on the minus strand). VCF-style: chr17-42346647-G-T. GRCh37 (hg19) VCF-style: chr17-40498665-G-T.
Other names: c.195C>A, p.Asp65Glu (NM_001369512.1, NM_001369513.1, NM_001369514.1 and 17 more transcripts); short protein forms D65E.
Identifiers: ClinVar variation 1056747 (VCV001056747.9), dbSNP rs2144992389, ClinGen allele CA399597018.
Genomic context (GRCh38, chr17:42,346,647, plus strand): 5'-TCTTCGTAGATTGTGCTGATAGAGAACATTCGACTCTTGCAGGAAGCGGCTATACTGCTG[G>T]TCAATCTCTCCCAGGAGATTATGAAACACCAAAGTGGCATGTGATTCTTTGCTGGCCGCA-3'
Protein context (NP_644805.1, residues 55-75): LVFHNLLGEI[Asp65Glu]QQYSRFLQES

ClinVar aggregate classification (germline): Uncertain significance (1 of 4 stars; one submission).

Conditions:
STAT3 gain of function. Identifiers: MedGen C4288261.
Hyper-IgE recurrent infection syndrome 1, autosomal dominant. Also called: JOB SYNDROME; STAT3 Hyper IgE Syndrome; Job's Syndrome; Hyper-IgE recurrent infection syndrome 1; HYPER-IgE SYNDROME 1, AUTOSOMAL DOMINANT, WITH RECURRENT INFECTIONS. Identifiers: Orphanet 2314, MedGen C2936739, MONDO:0007818, OMIM 147060.

Submission:

Labcorp Genetics (formerly Invitae), Labcorp
Classification: Uncertain significance for STAT3 gain of function; Hyper-IgE recurrent infection syndrome 1, autosomal dominant. Last evaluated: 2020-07-07. Review status: criteria provided, single submitter. Criteria: Invitae Variant Classification Sherloc (09022015). Collection method: clinical testing. Allele origin: germline.
Comment: In summary, the available evidence is currently insufficient to determine the role of this variant in disease. Therefore, it has been classified as a Variant of Uncertain Significance. Algorithms developed to predict the effect of missense changes on protein structure and function are either unavailable or do not agree on the potential impact of this missense change (SIFT: "Tolerated"; PolyPhen-2: "Probably Damaging"; Align-GVGD: "Class C0"). This variant has not been reported in the literature in individuals with STAT3-related conditions. This variant is not present in population databases (ExAC no frequency). This sequence change replaces aspartic acid with glutamic acid at codon 65 of the STAT3 protein (p.Asp65Glu). The aspartic acid residue is moderately conserved and there is a small physicochemical difference between aspartic acid and glutamic acid.